The following is an entry in ClinVar:

ClinVar aggregate classification (germline): Uncertain significance. Review status: criteria provided, multiple submitters, no conflicts (2 of 4 stars). 6 submissions from 6 submitters: Uncertain significance (5). 1 of the submissions does not count toward it. Last evaluated 2026-01-31.

Conditions:
Colorectal cancer, susceptibility to, 12 (CRCS12). Also called: COLORECTAL CANCER, SUSCEPTIBILITY TO, ON CHROMOSOME 12q24. Identifiers: Orphanet 220460, MedGen C3554460, MONDO:0014038, OMIM 615083.
Hereditary cancer-predisposing syndrome. Also called: Hereditary Cancer Syndrome; Hereditary neoplastic syndrome; Neoplastic Syndromes, Hereditary; Tumor predisposition. Identifiers: Orphanet 140162, MedGen C0027672, MeSH D009386, MONDO:0015356.

Allele frequency attached by ClinVar (database versions not stated): gnomAD 0.00001; gnomAD exomes 0.00001; TOPMed 0.00001; ExAC 0.00002.
gnomAD v4.1: 10 of 1,611,092 alleles (0.00062%); highest among the groups gnomAD compares: Admixed American, 0.0017%; no homozygotes.

Submissions (6):

Labcorp Genetics (formerly Invitae), Labcorp
Classification: Uncertain significance. Last evaluated: 2026-01-31. Review status: criteria provided, single submitter. Criteria: Invitae Variant Classification Sherloc (09022015). Collection method: clinical testing. Allele origin: germline.
Comment: This sequence change replaces valine, which is neutral and non-polar, with methionine, which is neutral and non-polar, at codon 460 of the POLE protein (p.Val460Met). This variant is present in population databases (rs753586583, gnomAD 0.003%). This missense change has been observed in individual(s) with clinical features of POLE-related conditions (PMID: 26251183). ClinVar contains an entry for this variant (Variation ID: 405748). Invitae Evidence Modeling of protein sequence and biophysical properties (such as structural, functional, and spatial information, amino acid conservation, physicochemical variation, residue mobility, and thermodynamic stability) indicates that this missense variant is expected to disrupt POLE protein function with a positive predictive value of 80%. In summary, the available evidence is currently insufficient to determine the role of this variant in disease. Therefore, it has been classified as a Variant of Uncertain Significance.

Ambry Genetics
Classification: Uncertain significance for Hereditary cancer-predisposing syndrome. Last evaluated: 2025-06-24. Review status: criteria provided, single submitter. Criteria: Ambry Variant Classification Scheme 2023. Collection method: clinical testing. Allele origin: germline.
Comment: The p.V460M variant (also known as c.1378G>A), located in coding exon 14 of the POLE gene, results from a G to A substitution at nucleotide position 1378. The valine at codon 460 is replaced by methionine, an amino acid with highly similar properties. This amino acid position is highly conserved in available vertebrate species. In addition, the in silico prediction for this alteration is inconclusive. Based on the available evidence, the clinical significance of this variant remains unclear.

Baylor Genetics
Classification: Uncertain significance for Colorectal cancer, susceptibility to, 12. Last evaluated: 2023-10-05. Review status: criteria provided, single submitter. Criteria: ACMG Guidelines, 2015. Collection method: clinical testing. Allele origin: unknown.

Myriad Genetics, Inc.
Classification: Uncertain significance for Colorectal cancer, susceptibility to, 12. Last evaluated: 2023-04-19. Review status: criteria provided, single submitter. Criteria: Myriad Autosomal Dominant, Autosomal Recessive and X-Linked Classification Criteria (2023). Collection method: clinical testing. Allele origin: unknown.
Comment: This variant is classified as a variant of uncertain significance as there is insufficient evidence to determine its impact on protein function and/or cancer risk.

GeneDx
Classification: Uncertain significance. Last evaluated: 2021-06-09. Review status: criteria provided, single submitter. Criteria: GeneDx Variant Classification Process June 2021. Collection method: clinical testing. Allele origin: germline. Affected: yes.
Comment: Not observed at significant frequency in large population cohorts (Lek et al., 2016); In silico analysis supports that this missense variant has a deleterious effect on protein structure/function; Observed in at least one individual with cutaneous melanoma (Aoude 2015); This variant is associated with the following publications: (PMID: 26251183, 27535533, 20951805)

Counsyl
Classification: Uncertain significance for Colorectal cancer, susceptibility to, 12. Last evaluated: 2017-06-23. Review status: no assertion criteria provided. Collection method: clinical testing. Allele origin: unknown. Not counted in ClinVar's aggregate classification.

Literature cited by the submitters: PubMed 26251183 (cited by 3 submitters).

NM_006231.4(POLE):c.1378G>A (p.Val460Met)

Gene: POLE (DNA polymerase epsilon, catalytic subunit; minus strand). Cytogenetic location: 12q24.33.
Variant type: single nucleotide variant.
Coding change: c.1378G>A on transcript NM_006231.4 (MANE Select); coding-DNA position 1378, G replaced by A.
Protein change: p.Val460Met; replaces valine 460 with methionine.
Molecular consequence: missense variant.
Genome position (GRCh38, 1-based): chr12:132,673,259, C>T on the plus strand (G>A on the coding strand, the complement: POLE is on the minus strand). VCF-style: chr12-132673259-C-T. GRCh37 (hg19) VCF-style: chr12-133249845-C-T.
Other names: short protein forms V460M.
Identifiers: ClinVar variation 405748 (VCV000405748.21), dbSNP rs753586583, ClinGen allele CA6893972.